The following is an entry in ClinVar:

NM_001351169.2(NT5C2):c.675T>G (p.Tyr225Ter)

Gene: NT5C2 (5'-nucleotidase, cytosolic II; minus strand). Cytogenetic location: 10q24.32.
Variant type: single nucleotide variant.
Coding change: c.675T>G on transcript NM_001351169.2 (MANE Select); coding-DNA position 675, T replaced by G.
Protein change: p.Tyr225Ter; replaces tyrosine 225 with a stop codon.
Molecular consequence: nonsense. On other transcripts: 5 prime UTR variant (3).
Genome position (GRCh38, 1-based): chr10:103,098,943, A>C on the plus strand (T>G on the coding strand, the complement: NT5C2 is on the minus strand). VCF-style: chr10-103098943-A-C. GRCh37 (hg19) VCF-style: chr10-104858700-A-C.
Other names: c.675T>G, p.Tyr225Ter (NM_001134373.3, NM_012229.5); c.699T>G, p.Tyr233Ter (NM_001351170.2, NM_001351171.2, NM_001351172.2 and 1 more transcripts); c.588T>G, p.Tyr196Ter (NM_001351174.1); c.582T>G, p.Tyr194Ter (NM_001351175.2); c.102T>G, p.Tyr34Ter (NM_001351176.2, NM_001351177.2, NM_001351178.2 and 16 more transcripts); c.-81T>G (NM_001351194.2, NM_001351195.2, NM_001351196.2); short protein forms Y225*, Y233*, Y194*, Y196*, Y34*.
Identifiers: ClinVar variation 2009302 (VCV002009302.4), dbSNP rs2494459588, ClinGen allele CA377975597.

ClinVar aggregate classification (germline): Pathogenic (1 of 4 stars; one submission).

Conditions:
Hereditary spastic paraplegia 45. Also called: Spastic paraplegia 45, autosomal recessive; SPASTIC PARAPLEGIA 45. Identifiers: Orphanet 320396, MedGen C3888209, MONDO:0013165, OMIM 613162.

gnomAD v4.1: 1 of 1,606,716 alleles (0.000062%); highest among the groups gnomAD compares: Non-Finnish European, 0.000085%; no homozygotes.

Submission:

Labcorp Genetics (formerly Invitae), Labcorp
Classification: Pathogenic for Hereditary spastic paraplegia 45. Last evaluated: 2022-08-31. Review status: criteria provided, single submitter. Criteria: Invitae Variant Classification Sherloc (09022015). Collection method: clinical testing. Allele origin: germline.
Comment: This sequence change creates a premature translational stop signal (p.Tyr225*) in the NT5C2 gene. It is expected to result in an absent or disrupted protein product. Loss-of-function variants in NT5C2 are known to be pathogenic (PMID: 24482476). This variant is not present in population databases (gnomAD no frequency). This variant has not been reported in the literature in individuals affected with NT5C2-related conditions. Algorithms developed to predict the effect of sequence changes on RNA splicing suggest that this variant may create or strengthen a splice site. For these reasons, this variant has been classified as Pathogenic.

Literature cited by the submitters: PubMed 24482476.